The following is an entry in ClinVar:

NM_000878.5(IL2RB):c.848C>G (p.Pro283Arg)

Gene: IL2RB (interleukin 2 receptor subunit beta; minus strand). Cytogenetic location: 22q12.3.
Variant type: single nucleotide variant.
Coding change: c.848C>G on transcript NM_000878.5 (MANE Select); coding-DNA position 848, C replaced by G.
Protein change: p.Pro283Arg; replaces proline 283 with arginine.
Molecular consequence: missense variant.
Genome position (GRCh38, 1-based): chr22:37,132,439, G>C on the plus strand (C>G on the coding strand, the complement: IL2RB is on the minus strand). VCF-style: chr22-37132439-G-C. GRCh37 (hg19) VCF-style: chr22-37528479-G-C.
Other names: c.848C>G, p.Pro283Arg (NM_001346222.1, NM_001346223.2); short protein forms P283R.
Identifiers: ClinVar variation 1441239 (VCV001441239.6), dbSNP rs2146229287, ClinGen allele CA411426546.
Genomic context (GRCh38, chr22:37,132,439, plus strand): 5'-CCTACCTGGACGTCTCCTCCATGCTCTGAGCTCAGCTGGGAAAAGAACTTCGAGGGGTCT[G>C]GGGTGTTACACTTCAGGACCTTCTTCAGCCTGGACAGAGGAGAGGAGGGAAGGAGGAGGG-3'
Protein context (NP_000869.1, residues 273-293): WLKKVLKCNT[Pro283Arg]DPSKFFSQLS

ClinVar aggregate classification (germline): Uncertain significance (1 of 4 stars; one submission).

Submission:

Labcorp Genetics (formerly Invitae), Labcorp
Classification: Uncertain significance. Last evaluated: 2021-08-01. Review status: criteria provided, single submitter. Criteria: Invitae Variant Classification Sherloc (09022015). Collection method: clinical testing. Allele origin: germline.
Comment: In summary, the available evidence is currently insufficient to determine the role of this variant in disease. Therefore, it has been classified as a Variant of Uncertain Significance. Algorithms developed to predict the effect of missense changes on protein structure and function (SIFT, PolyPhen-2, Align-GVGD) all suggest that this variant is likely to be disruptive. This variant has not been reported in the literature in individuals affected with IL2RB-related conditions. This variant is not present in population databases (ExAC no frequency). This sequence change replaces proline with arginine at codon 283 of the IL2RB protein (p.Pro283Arg). The proline residue is highly conserved and there is a moderate physicochemical difference between proline and arginine.